The following is an entry in ClinVar:

NM_000020.3(ACVRL1):c.*2398G>A

Gene: ACVRL1 (activin A receptor like type 1; plus strand). Cytogenetic location: 12q13.13.
Variant type: single nucleotide variant.
Coding change: c.*2398G>A on transcript NM_000020.3 (MANE Select); 2398 bases downstream of the stop codon, G replaced by A.
Molecular consequence: 3 prime UTR variant.
Genome position (GRCh38, 1-based): chr12:51,923,291, G>A. VCF-style: chr12-51923291-G-A. GRCh37 (hg19) VCF-style: chr12-52317075-G-A.
Other names: c.*2398G>A (NM_001077401.2).
Identifiers: ClinVar variation 309484 (VCV000309484.6), dbSNP rs2293092, ClinGen allele CA10641838.
Genomic context (GRCh38, chr12:51,923,291, plus strand): 5'-TTCTGTCTGAGTGCAGGAAGGTGTTCCAGGGTCGAAATTACACTTCTCGTACCTGGAGAC[G>A]CTGTTTGTGGGAGCACTGGGCTCATGCCTGGCACACAATAGGTCTGCAATAAACCATGGT-3'

ClinVar aggregate classification (germline): Benign. Review status: criteria provided, multiple submitters, no conflicts (2 of 4 stars). 2 submissions from 2 submitters: Benign (2). Last evaluated 2018-01-13.

Conditions:
Telangiectasia, hereditary hemorrhagic, type 2 (HHT2). Also called: ACVRL1-Related Hereditary Hemorrhagic Telangiectasia; Telangiectasia, hereditary hemorrhagic, type II. Identifiers: Orphanet 774, MedGen C1838163, MONDO:0010880, OMIM 600376. Disease mechanism: loss of function.

Allele frequency attached by ClinVar (database versions not stated): gnomAD 0.11085 and 0.11595; TOPMed 0.11098; gnomAD exomes 0.12037; 1000 Genomes Project 30x 0.13726; 1000 Genomes Project 0.14257.

Submissions (2):

Illumina Laboratory Services, Illumina
Classification: Benign for Telangiectasia, hereditary hemorrhagic, type 2. Last evaluated: 2018-01-13. Review status: criteria provided, single submitter. Criteria: ICSL Variant Classification Criteria 13 December 2019. Collection method: clinical testing. Allele origin: germline.
Comment: This variant was observed in the ICSL laboratory as part of a predisposition screen in an ostensibly healthy population. It had not been previously curated by ICSL or reported in the Human Gene Mutation Database (HGMD: prior to June 1st, 2018), and was therefore a candidate for classification through an automated scoring system. Utilizing variant allele frequency, disease prevalence and penetrance estimates, and inheritance mode, an automated score was calculated to assess if this variant is too frequent to cause the disease. Based on the score and internal cut-off values, a variant classified as benign is not then subjected to further curation. The score for this variant resulted in a classification of benign for this disease.

Breakthrough Genomics
Classification: Benign. Review status: criteria provided, single submitter. Criteria: ACMG Guidelines, 2015. Collection method: not provided. Allele origin: germline. Inheritance: Autosomal dominant inheritance. Affected: yes.